The following is an entry in ClinVar:

NM_000053.4(ATP7B):c.3516C>T (p.His1172=)

Gene: ATP7B (ATPase copper transporting beta; minus strand). Cytogenetic location: 13q14.3.
Variant type: single nucleotide variant.
Coding change: c.3516C>T on transcript NM_000053.4 (MANE Select); coding-DNA position 3516, C replaced by T.
Protein change: p.His1172=; no amino-acid change (histidine 1172 retained).
Molecular consequence: synonymous variant.
Genome position (GRCh38, 1-based): chr13:51,941,121, G>A on the plus strand (C>T on the coding strand, the complement: ATP7B is on the minus strand). VCF-style: chr13-51941121-G-A. GRCh37 (hg19) VCF-style: chr13-52515257-G-A.
Other names: c.2895C>T, p.His965= (NM_001005918.3); c.3183C>T, p.His1061= (NM_001243182.2); c.3282C>T, p.His1094= (NM_001330578.2); c.3264C>T, p.His1088= (NM_001330579.2).
Identifiers: ClinVar variation 1615786 (VCV001615786.9), dbSNP rs528866491, ClinGen allele CA6988667.

ClinVar aggregate classification (germline): Likely benign. Review status: criteria provided, multiple submitters, no conflicts (2 of 4 stars). 2 submissions from 2 submitters: Likely benign (2). Last evaluated 2025-12-28.

Conditions:
Wilson disease (WND). Also called: Wilson's disease. Identifiers: Orphanet 905, MedGen C0019202, MONDO:0010200, OMIM 277900. Disease mechanism: loss of function.

Allele frequency attached by ClinVar (database versions not stated): gnomAD exomes below 0.00001 and 0.00001; TOPMed below 0.00001; ExAC 0.00001; gnomAD 0.00001; 1000 Genomes Project 30x 0.00016; 1000 Genomes Project 0.00020.
gnomAD v4.1: 18 of 1,614,156 alleles (0.0011%); highest among the groups gnomAD compares: South Asian, 0.0022%; no homozygotes.

Submissions (2):

Labcorp Genetics (formerly Invitae), Labcorp
Classification: Likely benign for Wilson disease. Last evaluated: 2025-12-28. Review status: criteria provided, single submitter. Criteria: Invitae Variant Classification Sherloc (09022015). Collection method: clinical testing. Allele origin: germline.

All of Us Research Program, National Institutes of Health
Classification: Likely benign for Wilson disease. Last evaluated: 2023-09-17. Review status: criteria provided, single submitter. Criteria: ACMG Guidelines, 2015. Collection method: clinical testing. Allele origin: germline. Inheritance: Autosomal recessive inheritance. Observed: 4 variant alleles, 4 heterozygotes.
Comment: This study involves interpretation of variants in research participants for the purpose of population health screening. Participant phenotype was not available at the time of variant classification. Additional details can be found in publication PMID: 35346344, PMCID: PMC8962531